The following is an entry in ClinVar:

ClinVar aggregate classification (germline): Conflicting classifications of pathogenicity. Review status: criteria provided, conflicting classifications (1 of 4 stars). 4 submissions from 4 submitters: Uncertain significance (3); Likely benign (1). Last evaluated 2025-11-24.

Conditions:
Usher syndrome type 1D (USH1D). Also called: USHER SYNDROME, TYPE ID. Identifiers: Orphanet 231169, Orphanet 886, MedGen C1832845, MONDO:0010984, OMIM 601067.

Allele frequency attached by ClinVar (database versions not stated): gnomAD 0.00002; gnomAD exomes 0.00005 and 0.00016; TOPMed 0.00005; ExAC 0.00018.
gnomAD v4.1: 71 of 1,613,542 alleles (0.0044%); highest among the groups gnomAD compares: East Asian, 0.14%; no homozygotes.

Submissions (4):

Labcorp Genetics (formerly Invitae), Labcorp
Classification: Likely benign. Last evaluated: 2025-11-24. Review status: criteria provided, single submitter. Criteria: Invitae Variant Classification Sherloc (09022015). Collection method: clinical testing. Allele origin: germline.

Blueprint Genetics
Classification: Uncertain significance. Last evaluated: 2024-10-07. Review status: criteria provided, single submitter. Criteria: ACMG Guidelines, 2015. Collection method: clinical testing. Allele origin: germline.

Women's Health and Genetics/Laboratory Corporation of America, LabCorp
Classification: Uncertain significance. Last evaluated: 2022-02-09. Review status: criteria provided, single submitter. Criteria: LabCorp Variant Classification Summary - May 2015. Collection method: clinical testing. Allele origin: germline.
Comment: Variant summary: PCDH15 c.1591C>T (p.Leu531Phe) results in a non-conservative amino acid change located in the Cadherin-like domain (IPR002126) of the encoded protein sequence. Four of five in-silico tools predict a damaging effect of the variant on protein function. 4/4 computational tools predict no significant impact on normal splicing. However, these predictions have yet to be confirmed by functional studies. The variant allele was found at a frequency of 0.00016 in 250986 control chromosomes, predominantly at a frequency of 0.0021 within the East Asian subpopulation in the gnomAD database. This frequency is not higher than expected for a pathogenic variant in PCDH15 causing Usher Syndrome Type 1F (0.00016 vs 0.0032), allowing no conclusion about variant significance. c.1591C>T has been reported in the literature in individuals affected with Usher Syndrome Type 1F without evidence for causality (examples: Rong_2014, Xu_2015, Chen_2016, and Sun_2018). These reports do not provide unequivocal conclusions about association of the variant with Usher Syndrome Type 1F. To our knowledge, no experimental evidence demonstrating an impact on protein function has been reported. Three clinical diagnostic laboratories have submitted clinical-significance assessments for this variant to ClinVar after 2014 and classified the variant as VUS (n=2) and likely benign (n=1). Based on the evidence outlined above, the variant was classified as uncertain significance.

Myriad Genetics, Inc.
Classification: Uncertain significance for Usher syndrome type 1D. Last evaluated: 2021-11-10. Review status: criteria provided, single submitter. Criteria: Myriad Women's Health Autosomal Recessive and X-Linked Classification Criteria (2021). Collection method: clinical testing. Allele origin: unknown.
Comment: NM_033056.3(PCDH15):c.1591C>T(L531F) is a missense variant classified as a variant of uncertain significance in the context of PCDH15-related disorders. L531F has been observed in cases with relevant disease (PMID: 27610647, 25999675, 24831256, 29625443). Functional assessments of this variant are not available in the literature. L531F has been observed in population frequency databases (gnomAD: EAS 0.22%). In summary, there is insufficient evidence to classify NM_033056.3(PCDH15):c.1591C>T(L531F) as pathogenic or benign. Please note: this variant was assessed in the context of healthy population screening.

Literature cited by the submitters: PubMed 24831256 (cited by Women's Health and Genetics/Laboratory Corporation of America, LabCorp and Myriad Genetics, Inc.); PubMed 25999675 (cited by Women's Health and Genetics/Laboratory Corporation of America, LabCorp and Myriad Genetics, Inc.); PubMed 29625443 (cited by Women's Health and Genetics/Laboratory Corporation of America, LabCorp and Myriad Genetics, Inc.); PubMed 27610647 (cited by Women's Health and Genetics/Laboratory Corporation of America, LabCorp and Myriad Genetics, Inc.).

NM_001384140.1(PCDH15):c.1591C>T (p.Leu531Phe)

Gene: PCDH15 (protocadherin related 15; minus strand). Cytogenetic location: 10q21.1.
Variant type: single nucleotide variant.
Coding change: c.1591C>T on transcript NM_001384140.1 (MANE Select); coding-DNA position 1591, C replaced by T.
Protein change: p.Leu531Phe; replaces leucine 531 with phenylalanine.
Molecular consequence: missense variant.
Genome position (GRCh38, 1-based): chr10:54,153,293, G>A on the plus strand (C>T on the coding strand, the complement: PCDH15 is on the minus strand). VCF-style: chr10-54153293-G-A. GRCh37 (hg19) VCF-style: chr10-55913053-G-A.
Other names: c.1606C>T, p.Leu536Phe (NM_001142763.2, NM_001142771.2); c.1591C>T, p.Leu531Phe (NM_001142764.2, NM_001142765.2, NM_001142766.2 and 6 more transcripts); c.1480C>T, p.Leu494Phe (NM_001142767.2); c.1525C>T, p.Leu509Phe (NM_001142768.2, NM_001142773.2, NM_001354404.2); c.1627C>T, p.Leu543Phe (NM_001142769.4); c.1612C>T, p.Leu538Phe (NM_001354411.2); short protein forms L531F, L494F, L538F, L509F, L543F, L536F.
Identifiers: ClinVar variation 557214 (VCV000557214.17), dbSNP rs750009006, ClinGen allele CA5506320.